The following is an entry in ClinVar:

ClinVar aggregate classification (germline): Likely benign. Review status: criteria provided, multiple submitters, no conflicts (2 of 4 stars). 2 submissions from 2 submitters: Likely benign (2). Last evaluated 2018-06-14.

Allele frequency attached by ClinVar (database versions not stated): gnomAD 0.02518; TOPMed 0.03698; 1000 Genomes Project 30x 0.07573; 1000 Genomes Project 0.08227.
gnomAD v4.1: 28,366 of 1,144,664 alleles (2.5%); highest among the groups gnomAD compares: East Asian, 29%; 2,577 homozygotes.

Submissions (2):

GeneDx
Classification: Likely benign. Last evaluated: 2018-06-14. Review status: criteria provided, single submitter. Criteria: GeneDx Variant Classification (06012015). Collection method: clinical testing. Allele origin: germline. Affected: yes.
Comment: This variant is considered likely benign or benign based on one or more of the following criteria: it is a conservative change, it occurs at a poorly conserved position in the protein, it is predicted to be benign by multiple in silico algorithms, and/or has population frequency not consistent with disease.

Breakthrough Genomics
Classification: Likely benign. Review status: criteria provided, single submitter. Criteria: ACMG Guidelines, 2015. Collection method: not provided. Allele origin: germline. Inheritance: Autosomal dominant inheritance. Affected: yes.

NM_006258.4(PRKG1):c.1404-113G>C

Gene: PRKG1 (protein kinase cGMP-dependent 1; plus strand). Cytogenetic location: 10q21.1.
Variant type: single nucleotide variant.
Coding change: c.1404-113G>C on transcript NM_006258.4 (MANE Select); 113 bases into the intron before coding-DNA position 1404, G replaced by C.
Molecular consequence: intron variant.
Genome position (GRCh38, 1-based): chr10:52,280,676, G>C. VCF-style: chr10-52280676-G-C. GRCh37 (hg19) VCF-style: chr10-54040436-G-C.
Other names: c.1359-113G>C (NM_001098512.3).
Identifiers: ClinVar variation 674911 (VCV000674911.2), dbSNP rs78346962, ClinGen allele CA207400742.
Genomic context (GRCh38, chr10:52,280,676, plus strand): 5'-TGAATGCTTCAGAAAACCCAATGTAATGGCAATCATGTAACATTTAGCTAGCAGGACAGT[G>C]ATCTCTGGGTTAAATTTTGGCAAAGGAATATAGTGAAATGAGAAAAAAAAAATAAAGCCA-3'